The following is an entry in ClinVar:

NM_002804.5(PSMC3):c.723C>T (p.Ala241=)

Gene: PSMC3 (proteasome 26S subunit, ATPase 3; minus strand). Cytogenetic location: 11p11.2.
Variant type: single nucleotide variant.
Coding change: c.723C>T on transcript NM_002804.5 (MANE Select); coding-DNA position 723, C replaced by T.
Protein change: p.Ala241=; no amino-acid change (alanine 241 retained).
Molecular consequence: synonymous variant.
Genome position (GRCh38, 1-based): chr11:47,422,842, G>A on the plus strand (C>T on the coding strand, the complement: PSMC3 is on the minus strand). VCF-style: chr11-47422842-G-A. GRCh37 (hg19) VCF-style: chr11-47444393-G-A.
Identifiers: ClinVar variation 3025494 (VCV003025494.22), dbSNP rs148054958, ClinGen allele CA5976262.

ClinVar aggregate classification (germline): Likely benign (1 of 4 stars; one submission).

Allele frequency attached by ClinVar (database versions not stated): gnomAD exomes 0.00021; ExAC 0.00059; gnomAD 0.00188; 1000 Genomes Project 30x 0.00203; TOPMed 0.00211; ESP Exome Variant Server 0.00223; 1000 Genomes Project 0.00240.
gnomAD v4.1: 615 of 1,611,312 alleles (0.038%); highest among the groups gnomAD compares: African/African-American, 0.61%; 2 homozygotes.

Submission:

CeGaT Center for Human Genetics Tuebingen
Classification: Likely benign. Last evaluated: 2025-03-01. Review status: criteria provided, single submitter. Criteria: CeGaT Center For Human Genetics Tuebingen Variant Classification Criteria Version 2. Collection method: clinical testing. Allele origin: germline. Affected: yes. Observed: 2 variant alleles.
Comment: PSMC3: BP4, BP7